The following is an entry in ClinVar:

NM_001572.5(IRF7):c.982C>G (p.Gln328Glu)

Gene: IRF7 (interferon regulatory factor 7; minus strand). Cytogenetic location: 11p15.5.
Variant type: single nucleotide variant.
Coding change: c.982C>G on transcript NM_001572.5 (MANE Select); coding-DNA position 982, C replaced by G.
Protein change: p.Gln328Glu; replaces glutamine 328 with glutamic acid.
Molecular consequence: missense variant.
Genome position (GRCh38, 1-based): chr11:613,461, G>C on the plus strand (C>G on the coding strand, the complement: IRF7 is on the minus strand). VCF-style: chr11-613461-G-C. GRCh37 (hg19) VCF-style: chr11-613461-G-C.
Other names: c.895C>G, p.Gln299Glu (NM_004029.4); c.1021C>G, p.Gln341Glu (NM_004031.4); short protein forms Q299E, Q341E, Q328E.
Identifiers: ClinVar variation 2813583 (VCV002813583.3), dbSNP rs2133131327, ClinGen allele CA378979274.

ClinVar aggregate classification (germline): Uncertain significance (1 of 4 stars; one submission).

Conditions:
Immunodeficiency 39 (IMD39). Identifiers: Orphanet 574918, MedGen C4225358, MONDO:0014597, OMIM 616345.

Submission:

Labcorp Genetics (formerly Invitae), Labcorp
Classification: Uncertain significance for Immunodeficiency 39. Last evaluated: 2022-11-11. Review status: criteria provided, single submitter. Criteria: Invitae Variant Classification Sherloc (09022015). Collection method: clinical testing. Allele origin: germline.
Comment: This sequence change replaces glutamine, which is neutral and polar, with glutamic acid, which is acidic and polar, at codon 341 of the IRF7 protein (p.Gln341Glu). This variant is not present in population databases (gnomAD no frequency). This variant has not been reported in the literature in individuals affected with IRF7-related conditions. Advanced modeling of protein sequence and biophysical properties (such as structural, functional, and spatial information, amino acid conservation, physicochemical variation, residue mobility, and thermodynamic stability) performed at Invitae indicates that this missense variant is not expected to disrupt IRF7 protein function. In summary, the available evidence is currently insufficient to determine the role of this variant in disease. Therefore, it has been classified as a Variant of Uncertain Significance.